The following is an entry in ClinVar:

NM_014704.4(CEP104):c.2658G>A (p.Gln886=)

Gene: CEP104 (centrosomal protein 104; minus strand). Cytogenetic location: 1p36.32.
Variant type: single nucleotide variant.
Coding change: c.2658G>A on transcript NM_014704.4 (MANE Select); coding-DNA position 2658, G replaced by A.
Protein change: p.Gln886=; no amino-acid change (glutamine 886 retained).
Molecular consequence: synonymous variant.
Genome position (GRCh38, 1-based): chr1:3,816,284, C>T on the plus strand (G>A on the coding strand, the complement: CEP104 is on the minus strand). VCF-style: chr1-3816284-C-T. GRCh37 (hg19) VCF-style: chr1-3732848-C-T.
Other names: c.2658G>A (NM_014704.3).
Identifiers: ClinVar variation 1623072 (VCV001623072.11), dbSNP rs202022682, ClinGen allele CA551216.
Genomic context (GRCh38, chr1:3,816,284, plus strand): 5'-AATAAGTCAAAATGGAGGGATGCAGACTACACCTGCTCAGCGGCGCTGTCCCTCACCTGG[C>T]TGCAGTGCCGGGGCCTTCTGCAGAATGTGTGTCTTGCGCAGGTTCATCGTGCAGCCGGCT-3'
Protein context (NP_055519.1, residues 876-896): THILQKAPAL[Gln886=]PGKSSAVAAS

ClinVar aggregate classification (germline): Likely benign. Review status: criteria provided, multiple submitters, no conflicts (2 of 4 stars). 3 submissions from 3 submitters: Likely benign (2). 1 of the submissions does not count toward it. Last evaluated 2025-08-09.

Conditions:
Joubert syndrome 25 (JBTS25). Identifiers: Orphanet 475, MedGen C4084842, MONDO:0014770, OMIM 616781.
CEP104-related disorder. Also called: CEP104-related condition.

Allele frequency attached by ClinVar (database versions not stated): gnomAD 0.00004 and 0.00005; TOPMed 0.00005; 1000 Genomes Project 0.00020; gnomAD exomes 0.00026; 1000 Genomes Project 30x 0.00031.
gnomAD v4.1: 59 of 1,551,828 alleles (0.0038%); highest among the groups gnomAD compares: Admixed American, 0.11%; no homozygotes.

Submissions (3):

Labcorp Genetics (formerly Invitae), Labcorp
Classification: Likely benign for Joubert syndrome 25. Last evaluated: 2025-08-09. Review status: criteria provided, single submitter. Criteria: Invitae Variant Classification Sherloc (09022015). Collection method: clinical testing. Allele origin: germline.

Blueprint Genetics
Classification: Likely benign. Last evaluated: 2021-06-29. Review status: criteria provided, single submitter. Criteria: ACMG Guidelines, 2015. Collection method: clinical testing. Allele origin: germline.

PreventionGenetics, part of Exact Sciences
Classification: Likely benign for CEP104-related condition. Last evaluated: 2023-03-22. Review status: no assertion criteria provided. Collection method: clinical testing. Allele origin: germline. Not counted in ClinVar's aggregate classification.
Comment: This variant is classified as likely benign based on ACMG/AMP sequence variant interpretation guidelines (Richards et al. 2015 PMID: 25741868, with internal and published modifications).